The following is an entry in ClinVar:

NM_001042492.3(NF1):c.5116del (p.Val1707fs)

Gene: NF1 (neurofibromin 1; plus strand). Cytogenetic location: 17q11.2.
Variant type: Deletion.
Coding change: c.5116del on transcript NM_001042492.3 (MANE Select); coding-DNA position 5116, one base deleted (C; older notation c.5116delC).
Protein change: p.Val1707fs; shifts the reading frame from valine 1707.
Molecular consequence: frameshift variant.
Genome position (GRCh38, 1-based): chr17:31,326,100, C deleted. VCF-style (leftmost placement, unchanged base first): chr17-31326099-GC-G. GRCh37 (hg19) VCF-style: chr17-29653117-GC-G.
Other names: c.5053delC, p.Val1686Phefs (NM_000267.4); short protein forms V1686fs, V1707fs.
Identifiers: ClinVar variation 3656381 (VCV003656381.2).

ClinVar aggregate classification (germline): Pathogenic (1 of 4 stars; one submission).

Conditions:
Neurofibromatosis, type 1 (NF1). Also called: Peripheral type neurofibromatosis; VON RECKLINGHAUSEN DISEASE; NEUROFIBROMATOSIS, TYPE I, SOMATIC; Neurofibromatosis, type I. Identifiers: Orphanet 636, MedGen C0027831, MONDO:0018975, OMIM 162200. Disease mechanism: loss of function.

Submission:

Labcorp Genetics (formerly Invitae), Labcorp
Classification: Pathogenic for Neurofibromatosis, type 1. Last evaluated: 2024-06-12. Review status: criteria provided, single submitter. Criteria: Invitae Variant Classification Sherloc (09022015). Collection method: clinical testing. Allele origin: germline.
Comment: This sequence change creates a premature translational stop signal (p.Val1686Phefs*3) in the NF1 gene. It is expected to result in an absent or disrupted protein product. Loss-of-function variants in NF1 are known to be pathogenic (PMID: 10712197, 23913538). This variant is not present in population databases (gnomAD no frequency). This variant has not been reported in the literature in individuals affected with NF1-related conditions. For these reasons, this variant has been classified as Pathogenic.

Literature cited by the submitters: PubMed 10712197; PubMed 23913538.